The following is an entry in ClinVar:

ClinVar aggregate classification (germline): Uncertain significance (0 of 4 stars; one submission).

Conditions:
HPRT1-related disorder. Also called: HPRT1-related condition; HPRT1-related disorders.

Submission:

PreventionGenetics, part of Exact Sciences
Classification: Uncertain significance for HPRT1-related condition. Last evaluated: 2024-07-22. Review status: no assertion criteria provided. Collection method: clinical testing. Allele origin: germline.
Comment: The HPRT1 c.617G>T variant is predicted to result in the amino acid substitution p.Cys206Phe. To our knowledge, this variant has not been reported in the literature or in a large population database, indicating this variant is rare. Another variant affecting the same amino acid (c.617G>A, p.Cys206Tyr) was identified in an individual with Lesch-Nyhan syndrome (Gibbs et al 1989. PubMed ID: 2928313). Although we suspect that this variant may be pathogenic, at this time, the clinical significance of this variant is uncertain due to the absence of conclusive functional and genetic evidence.

NM_000194.3(HPRT1):c.617G>T (p.Cys206Phe)

Gene: HPRT1 (hypoxanthine phosphoribosyltransferase 1; plus strand). Cytogenetic location: Xq26.3.
Variant type: single nucleotide variant.
Coding change: c.617G>T on transcript NM_000194.3 (MANE Select); coding-DNA position 617, G replaced by T.
Protein change: p.Cys206Phe; replaces cysteine 206 with phenylalanine.
Molecular consequence: missense variant.
Genome position (GRCh38, 1-based): chrX:134,500,037, G>T. VCF-style: chrX-134500037-G-T. GRCh37 (hg19) VCF-style: chrX-133634067-G-T.
Other names: short protein forms C206F.
Identifiers: ClinVar variation 3345657 (VCV003345657.1).
Genomic context (GRCh38, chrX:134,500,037, plus strand): 5'-TTTCATTTCAGAATATACTTTTTAAATGTGAATTTCTGGATTTTTTTTTATAGCATGTTT[G>T]TGTCATTAGTGAAACTGGAAAAGCAAAATACAAAGCCTAAGATGAGAGTTCAAGTTGAGT-3'
Protein context (NP_000185.1, residues 196-216): NEYFRDLNHV[Cys206Phe]VISETGKAKY